The following is an entry in ClinVar:

ClinVar aggregate classification (germline): Pathogenic/Likely pathogenic. Review status: criteria provided, multiple submitters, no conflicts (2 of 4 stars). 6 submissions from 6 submitters: Pathogenic (3); Likely pathogenic (2). 1 of the submissions does not count toward it. Last evaluated 2025-07-16.

Conditions:
Hereditary spastic paraplegia 11. Also called: Spastic Paraplegia 11; Autosomal recessive hereditary spastic paraplegia, mental impairment, and thin corpus callosum; Nakamura Osame syndrome; SPASTIC PARAPLEGIA, AUTOSOMAL RECESSIVE, COMPLICATED, WITH THIN CORPUS CALLOSUM; SPASTIC PARAPLEGIA, AUTOSOMAL RECESSIVE, WITH MENTAL IMPAIRMENT AND THIN CORPUS CALLOSUM; Spastic paraplegia, mental retardation and thin corpus callosum. Identifiers: Orphanet 2822, MedGen C1858479, MONDO:0011445, OMIM 604360.

Submissions (6):

Mayo Clinic Laboratories, Mayo Clinic
Classification: Pathogenic. Last evaluated: 2025-07-16. Review status: criteria provided, single submitter. Criteria: ACMG Guidelines, 2015. Collection method: clinical testing. Allele origin: germline. Observed: 1 variant allele.
Comment: PM2_supporting, PM3, PVS1

GeneDx
Classification: Likely pathogenic. Last evaluated: 2025-06-11. Review status: criteria provided, single submitter. Criteria: GeneDx Variant Classification Process June 2021. Collection method: clinical testing. Allele origin: germline. Affected: yes.
Comment: Identified with a second SPG11 variant in patients with features of SPG11-related neurodegenerative disorder referred for genetic testing at GeneDx and in published literature, but it is not known whether the variants occurred on the same (in cis) or on different (in trans) alleles (PMID: 19196735); RNA studies demonstrate a damaging effect: skipping of exon 8, which is predicted to lead to early protein termination (PMID: 19196735); In silico analysis supports a deleterious effect on splicing; Not observed at significant frequency in large population cohorts (gnomAD); Also known as c.1735+2_+7delAAGT; This variant is associated with the following publications: (PMID: 26556829, 19196735, 34256108)

Labcorp Genetics (formerly Invitae), Labcorp
Classification: Pathogenic for Hereditary spastic paraplegia 11. Last evaluated: 2023-07-25. Review status: criteria provided, single submitter. Criteria: Invitae Variant Classification Sherloc (09022015). Collection method: clinical testing. Allele origin: germline.
Comment: This variant is not present in population databases (gnomAD no frequency). This sequence change falls in intron 8 of the SPG11 gene. It does not directly change the encoded amino acid sequence of the SPG11 protein. It affects a nucleotide within the consensus splice site. This variant has been observed in individual(s) with hereditary spastic paraplegia (PMID: 19196735; Invitae). In at least one individual the data is consistent with being in trans (on the opposite chromosome) from a pathogenic variant. This variant is also known as c.1735+2_+7delAAGT. ClinVar contains an entry for this variant (Variation ID: 41281). Algorithms developed to predict the effect of variants on protein structure and function are not available or were not evaluated for this variant. Experimental studies have shown that this variant affects SPG11 function (PMID: 19196735). Variants that disrupt the consensus splice site are a relatively common cause of aberrant splicing (PMID: 17576681, 9536098). Algorithms developed to predict the effect of sequence changes on RNA splicing suggest that this variant may disrupt the consensus splice site. For these reasons, this variant has been classified as Pathogenic.

Institute for Clinical Genetics, University Hospital TU Dresden, University Hospital TU Dresden
Classification: Likely pathogenic. Last evaluated: 2023-06-14. Review status: criteria provided, single submitter. Criteria: ACMG Guidelines, 2015. Collection method: clinical testing. Allele origin: germline.
Comment: PM3, PS3, PP4, PP3, PM2_SUP

Neuberg Centre For Genomic Medicine, NCGM
Classification: Pathogenic for Hereditary spastic paraplegia 11. Last evaluated: 2023-05-20. Review status: criteria provided, single submitter. Criteria: ACMG Guidelines, 2015. Collection method: clinical testing. Allele origin: germline. Inheritance: Autosomal recessive inheritance. Affected: yes.
Comment: The observed splice region c.1735+3_1735+6del variant in SPG11 gene has been reported previously in homozygous or compound heterozygous state in individual(s) affected with Hereditary spastic paraplegia (HSP) (Crimella et al., 2009). This variant is absent in gnomAD Exomes. This variant has been reported to the ClinVar database as Pathogenic. This splice region variant in intron 8 affects the position three to six nucleotides downstream of exon 7. The spliceAI tool predicts that this splice site variant is damaging. Experimental studies have shown that this variant affects SPG11 function (Crimella et al., 2009). For these reasons, this variant has been classified as Pathogenic.

GeneReviews
Classification: Pathogenic for Spastic Paraplegia 11. Last evaluated: 2013-01-31. Review status: no assertion criteria provided. Collection method: curation. Allele origin: unknown. Not counted in ClinVar's aggregate classification.
ClinVar note: Converted during submission from pathologic to Pathogenic.

Literature cited by the submitters: PubMed 19196735 (cited by Mayo Clinic Laboratories, Mayo Clinic and Labcorp Genetics (formerly Invitae), Labcorp); PubMed 34256108 (cited by Mayo Clinic Laboratories, Mayo Clinic); PubMed 17576681 (cited by Labcorp Genetics (formerly Invitae), Labcorp); PubMed 9536098 (cited by Labcorp Genetics (formerly Invitae), Labcorp).

NM_025137.4(SPG11):c.1735+3_1735+6del

Gene: SPG11 (SPG11 vesicle trafficking associated, spatacsin; minus strand). Cytogenetic location: 15q21.1.
Variant type: Microsatellite.
Coding change: c.1735+3_1735+6del on transcript NM_025137.4 (MANE Select); bases 3 to 6 of the intron after coding-DNA position 1735, 4 bases deleted (AAGT; older notation c.1735+3_1735+6delAAGT).
Molecular consequence: splice donor variant.
Genome position (GRCh38, 1-based): chr15:44,633,499-44,633,502, ACTT deleted on the plus strand (AAGT on the coding strand, the reverse complement: SPG11 is on the minus strand); deleting any 4 consecutive bases within chr15:44,633,499-44,633,506 gives the same sequence; the c. name uses the placement nearest the transcript's 3' end. VCF-style (leftmost placement, unchanged base first): chr15-44633498-CACTT-C. GRCh37 (hg19) VCF-style: chr15-44925696-CACTT-C.
Other names: p.?; c.1735+3_1735+6del (NM_001160227.2).
Identifiers: ClinVar variation 41281 (VCV000041281.13), dbSNP rs312262734, ClinGen allele CA344307.